The following is an entry in ClinVar:

NM_001134407.3(GRIN2A):c.1498-11C>T

Gene: GRIN2A (glutamate ionotropic receptor NMDA type subunit 2A; minus strand). Cytogenetic location: 16p13.2.
Variant type: single nucleotide variant.
Coding change: c.1498-11C>T on transcript NM_001134407.3 (MANE Select); 11 bases into the intron before coding-DNA position 1498, C replaced by T.
Molecular consequence: intron variant.
Genome position (GRCh38, 1-based): chr16:9,840,811, G>A on the plus strand (C>T on the coding strand, the complement: GRIN2A is on the minus strand). VCF-style: chr16-9840811-G-A. GRCh37 (hg19) VCF-style: chr16-9934668-G-A.
Other names: c.1498-11C>T (NM_001134408.2, NM_000833.5).
Identifiers: ClinVar variation 506608 (VCV000506608.1), dbSNP rs759632014, ClinGen allele CA621178216.

ClinVar aggregate classification (germline): Likely benign (1 of 4 stars; one submission).

Submission:

GeneDx
Classification: Likely benign. Last evaluated: 2017-03-03. Review status: criteria provided, single submitter. Criteria: GeneDx Variant Classification (06012015). Collection method: clinical testing. Allele origin: germline. Affected: yes.
Comment: This variant is considered likely benign or benign based on one or more of the following criteria: it is a conservative change, it occurs at a poorly conserved position in the protein, it is predicted to be benign by multiple in silico algorithms, and/or has population frequency not consistent with disease.